The following is an entry in ClinVar:

ClinVar aggregate classification (germline): Uncertain significance (1 of 4 stars; one submission).

Submission:

GeneDx
Classification: Uncertain significance. Last evaluated: 2022-03-22. Review status: criteria provided, single submitter. Criteria: GeneDx Variant Classification Process June 2021. Collection method: clinical testing. Allele origin: germline. Affected: yes.
Comment: Not observed at significant frequency in large population cohorts (gnomAD); In silico analysis supports that this missense variant does not alter protein structure/function; Has not been previously published as pathogenic or benign to our knowledge

NM_014927.5(CNKSR2):c.1138G>A (p.Val380Met)

Gene: CNKSR2 (connector enhancer of kinase suppressor of Ras 2; plus strand). Cytogenetic location: Xp22.12.
Variant type: single nucleotide variant.
Coding change: c.1138G>A on transcript NM_014927.5 (MANE Select); coding-DNA position 1138, G replaced by A.
Protein change: p.Val380Met; replaces valine 380 with methionine.
Molecular consequence: missense variant.
Genome position (GRCh38, 1-based): chrX:21,531,902, G>A. VCF-style: chrX-21531902-G-A. GRCh37 (hg19) VCF-style: chrX-21550020-G-A.
Other names: c.1138G>A, p.Val380Met (NM_001168647.3, NM_001168648.3, NM_001330773.2); c.991G>A, p.Val331Met (NM_001168649.3, NM_001330770.2, NM_001330771.2 and 1 more transcripts); short protein forms V331M, V380M.
Identifiers: ClinVar variation 1707198 (VCV001707198.2), dbSNP rs2519101094, ClinGen allele CA412551110.
Genomic context (GRCh38, chrX:21,531,902, plus strand): 5'-TAACCTTTCTTTAGGGATGAAAAAGGAAACCTTCCTTGTGAAGACCTCAGAGGACATATG[G>A]TGGGCAAGCCAGTGCATAAGGGATCTGAATCACCAAATTCATTTCTGGATCAGGAATATC-3'
Protein context (NP_055742.2, residues 370-390): LPCEDLRGHM[Val380Met]GKPVHKGSES